The following is an entry in ClinVar:

ClinVar aggregate classification (germline): Likely benign. Review status: criteria provided, multiple submitters, no conflicts (2 of 4 stars). 3 submissions from 3 submitters: Likely benign (2). 1 of the submissions does not count toward it. Last evaluated 2025-08-23.

Conditions:
Cardiovascular phenotype. Identifiers: MedGen CN230736.
RASopathy. Also called: rasopathies; Noonan spectrum disorder. Identifiers: Orphanet 536391, MedGen C5555857, MONDO:0021060.
PTPN11-related disorder. Also called: PTPN11-Related Disorders.

Allele frequency attached by ClinVar (database versions not stated): ExAC 0.00001.
gnomAD v4.1: 1 of 1,613,778 alleles (0.000062%); no homozygotes.

Submissions (3):

Ambry Genetics
Classification: Likely benign for Cardiovascular phenotype. Last evaluated: 2025-08-23. Review status: criteria provided, single submitter. Criteria: Ambry Variant Classification Scheme 2023. Collection method: clinical testing. Allele origin: germline.

Labcorp Genetics (formerly Invitae), Labcorp
Classification: Likely benign for RASopathy. Last evaluated: 2024-04-10. Review status: criteria provided, single submitter. Criteria: Invitae Variant Classification Sherloc (09022015). Collection method: clinical testing. Allele origin: germline.

PreventionGenetics, part of Exact Sciences
Classification: Likely benign for PTPN11-related condition. Last evaluated: 2023-08-14. Review status: no assertion criteria provided. Collection method: clinical testing. Allele origin: germline. Not counted in ClinVar's aggregate classification.
Comment: This variant is classified as likely benign based on ACMG/AMP sequence variant interpretation guidelines (Richards et al. 2015 PMID: 25741868, with internal and published modifications).

NM_002834.5(PTPN11):c.1680C>T (p.Leu560=)

Gene: PTPN11 (protein tyrosine phosphatase non-receptor type 11; plus strand). Cytogenetic location: 12q24.13.
Variant type: single nucleotide variant.
Coding change: c.1680C>T on transcript NM_002834.5 (MANE Select); coding-DNA position 1680, C replaced by T.
Protein change: p.Leu560=; no amino-acid change (leucine 560 retained).
Molecular consequence: synonymous variant.
Genome position (GRCh38, 1-based): chr12:112,502,224, C>T. VCF-style: chr12-112502224-C-T. GRCh37 (hg19) VCF-style: chr12-112940028-C-T.
Other names: c.1680C>T (NM_002834.4); c.1692C>T, p.Leu564= (NM_001330437.2); c.1677C>T, p.Leu559= (NM_001374625.1).
Identifiers: ClinVar variation 2955695 (VCV002955695.6), dbSNP rs778270727, ClinGen allele CA6798834.